The following is an entry in ClinVar:

NM_005908.4(MANBA):c.1724G>A (p.Trp575Ter)

Gene: MANBA (mannosidase beta; minus strand). Cytogenetic location: 4q24.
Variant type: single nucleotide variant.
Coding change: c.1724G>A on transcript NM_005908.4 (MANE Select); coding-DNA position 1724, G replaced by A.
Protein change: p.Trp575Ter; replaces tryptophan 575 with a stop codon.
Molecular consequence: nonsense.
Genome position (GRCh38, 1-based): chr4:102,650,682, C>T on the plus strand (G>A on the coding strand, the complement: MANBA is on the minus strand). VCF-style: chr4-102650682-C-T. GRCh37 (hg19) VCF-style: chr4-103571839-C-T.
Other names: short protein forms W575*.
Identifiers: ClinVar variation 2109699 (VCV002109699.4), dbSNP rs2476758160, ClinGen allele CA357758088.

ClinVar aggregate classification (germline): Pathogenic (1 of 4 stars; one submission).

Conditions:
Beta-D-mannosidosis (MANSB). Also called: Beta-Mannosidosis; MANNOSIDOSIS, BETA A, LYSOSOMAL; BETA-MANNOSIDASE DEFICIENCY; LYSOSOMAL BETA-MANNOSIDASE DEFICIENCY. Identifiers: Orphanet 118, MedGen C4048196, MONDO:0009562, OMIM 248510.

Allele frequency attached by ClinVar (database versions not stated): gnomAD exomes below 0.00001.
gnomAD v4.1: 1 of 1,612,930 alleles (0.000062%); highest among the groups gnomAD compares: Non-Finnish European, 0.000085%; no homozygotes.

Submission:

Labcorp Genetics (formerly Invitae), Labcorp
Classification: Pathogenic for Beta-D-mannosidosis. Last evaluated: 2022-03-15. Review status: criteria provided, single submitter. Criteria: Invitae Variant Classification Sherloc (09022015). Collection method: clinical testing. Allele origin: germline.
Comment: For these reasons, this variant has been classified as Pathogenic. This variant has not been reported in the literature in individuals affected with MANBA-related conditions. This variant is not present in population databases (gnomAD no frequency). This sequence change creates a premature translational stop signal (p.Trp575*) in the MANBA gene. It is expected to result in an absent or disrupted protein product. Loss-of-function variants in MANBA are known to be pathogenic (PMID: 9384606, 12468273).

Literature cited by the submitters: PubMed 9384606; PubMed 12468273.